The following is an entry in ClinVar:

ClinVar aggregate classification (germline): Uncertain significance (1 of 4 stars; one submission).

Submission:

Women's Health and Genetics/Laboratory Corporation of America, LabCorp
Classification: Uncertain significance. Last evaluated: 2024-03-15. Review status: criteria provided, single submitter. Criteria: LabCorp Variant Classification Summary - May 2015. Collection method: clinical testing. Allele origin: germline.
Comment: Variant summary: GJB1 c.247C>G (p.Leu83Val) results in a conservative amino acid change located in the Connexin, N-terminal domain (IPR013092) of the encoded protein sequence. Three of five in-silico tools predict a damaging effect of the variant on protein function. The variant was absent in 166024 control chromosomes (gnomAD). The available data on variant occurrences in the general population are insufficient to allow any conclusion about variant significance. To our knowledge, no occurrence of c.247C>G in individuals affected with Charcot-Marie-Tooth disease X-linked dominant 1 and no experimental evidence demonstrating its impact on protein function have been reported. No submitters have cited clinical-significance assessments for this variant to ClinVar. Based on the evidence outlined above, the variant was classified as uncertain significance.

NM_000166.6(GJB1):c.247C>G (p.Leu83Val)

Gene: GJB1 (gap junction protein beta 1; plus strand). Cytogenetic location: Xq13.1.
Variant type: single nucleotide variant.
Coding change: c.247C>G on transcript NM_000166.6 (MANE Select); coding-DNA position 247, C replaced by G.
Protein change: p.Leu83Val; replaces leucine 83 with valine.
Molecular consequence: missense variant.
Genome position (GRCh38, 1-based): chrX:71,223,954, C>G. VCF-style: chrX-71223954-C-G. GRCh37 (hg19) VCF-style: chrX-70443804-C-G.
Other names: c.247C>G, p.Leu83Val (NM_001097642.3); short protein forms L83V.
Identifiers: ClinVar variation 3233941 (VCV003233941.2), dbSNP rs2519798132, ClinGen allele CA413501648.
Genomic context (GRCh38, chrX:71,223,954, plus strand): 5'-GTTTGCTATGACCAATTCTTCCCCATCTCCCATGTGCGGCTGTGGTCCCTGCAGCTCATC[C>G]TAGTTTCCACCCCAGCTCTCCTCGTGGCCATGCACGTGGCTCACCAGCAACACATAGAGA-3'
Protein context (NP_000157.1, residues 73-93): HVRLWSLQLI[Leu83Val]VSTPALLVAM